The following is an entry in ClinVar:

ClinVar aggregate classification (germline): Pathogenic. Review status: reviewed by expert panel (3 of 4 stars). 9 submissions from 9 submitters: Pathogenic (1). 8 of the submissions do not count toward it. Last evaluated 2017-03-17.

Conditions:
CFTR-related disorder (CFTR-RD). Also called: CFTR-related condition; CFTR-related disorders. Identifiers: MedGen C5924204, MONDO:7770004.
Hereditary pancreatitis (PCTT). Also called: Hereditary chronic pancreatitis; PRSS1-Related Hereditary Pancreatitis. Identifiers: Orphanet 676, MedGen C0238339, MONDO:0008185, OMIM 167800.
Cystic fibrosis (CF). Also called: MUCOVISCIDOSIS. Identifiers: Orphanet 586, MedGen C0010674, MONDO:0009061, OMIM 219700. Disease mechanism: loss of function.
Congenital bilateral aplasia of vas deferens from CFTR mutation (CBAVD). Identifiers: Orphanet 48, MedGen C0403814, MONDO:0010178, OMIM 277180. Disease mechanism: loss of function.
Bronchiectasis with or without elevated sweat chloride 1 (BESC1). Also called: Cystic Fibrosis-Like Syndrome. Identifiers: Orphanet 60033, MedGen C2749757, MONDO:0008887, OMIM 211400.

Allele frequency attached by ClinVar (database versions not stated): gnomAD exomes below 0.00001.

Submissions (9):

CFTR2
Classification: Pathogenic for Cystic fibrosis. Last evaluated: 2017-03-17. Review status: reviewed by expert panel. Criteria: Sosnay PR et al. (Nat Genet 2013). Collection method: research. Allele origin: germline. Affected: yes. Study: CFTR2.

Labcorp Genetics (formerly Invitae), Labcorp
Classification: Pathogenic for Cystic fibrosis. Last evaluated: 2025-09-01. Review status: criteria provided, single submitter. Criteria: Invitae Variant Classification Sherloc (09022015). Collection method: clinical testing. Allele origin: germline. Not counted in ClinVar's aggregate classification.
Comment: This sequence change creates a premature translational stop signal (p.Gln493Valfs*10) in the CFTR gene. It is expected to result in an absent or disrupted protein product. Loss-of-function variants in CFTR are known to be pathogenic (PMID: 1695717, 7691345, 9725922). This variant is not present in population databases (gnomAD no frequency). This premature translational stop signal has been observed in individual(s) with cystic fibrosis (PMID: 1282016, 1284477, 23974870). This variant is also known as 1609delCA. ClinVar contains an entry for this variant (Variation ID: 7219). For these reasons, this variant has been classified as Pathogenic.

Natera, Inc.
Classification: Pathogenic for CFTR-related disorders. Last evaluated: 2024-12-23. Review status: criteria provided, single submitter. Criteria: Natera Variant Classification Schema (03/2026). Collection method: clinical testing. Allele origin: germline. Not counted in ClinVar's aggregate classification.
Comment: The c.1477_1478delCA variant in CFTR is a frameshift variant predicted to shift the reading frame beginning at codon 493 and leads to a stop codon 10 codons downstream. This variant is expected to result in nonsense mediated decay, truncation, or a dysfunctional protein product. This variant is rare in the general population with a frequency below the threshold expected for the associated phenotype(s). This variant has been observed in one or more individuals affected with the associated recessive disease, as either homozygous or compound heterozygous with a second variant (PMID: 15480987). Given the available evidence, this variant is classified as Pathogenic.

Dasa
Classification: Pathogenic. Last evaluated: 2024-09-25. Review status: criteria provided, single submitter. Criteria: DASA Assertion Criteria. Collection method: clinical testing. Allele origin: germline. Not counted in ClinVar's aggregate classification.
Comment: NM_000492.4(CFTR):c.1477_1478del (p.Gln493Valfs*10) is a frameshift variant in CFTR predicted to alter the reading frame and introduce a premature termination codon and is predicted to result in an absent or altered protein product. Loss of function is an established disease mechanism for CFTR-associated disorders. This variant has been reported in individuals with CFTR-related disorders. Published studies describe this variant in association with related phenotype (PMID: 1284477). Also, this variant is absent from population databases. Based on the currently available evidence, this variant is classified as pathogenic.

Women's Health and Genetics/Laboratory Corporation of America, LabCorp
Classification: Pathogenic for Cystic fibrosis. Last evaluated: 2022-08-22. Review status: criteria provided, single submitter. Criteria: LabCorp Variant Classification Summary - May 2015. Collection method: clinical testing. Allele origin: germline. Not counted in ClinVar's aggregate classification.
Comment: Variant summary: CFTR c.1477_1478delCA (p.Gln493ValfsX10) results in a premature termination codon, predicted to cause a truncation of the encoded protein or absence of the protein due to nonsense mediated decay, which are commonly known mechanisms for disease. Truncations downstream of this position have been classified as pathogenic by our laboratory. The variant was absent in 251326 control chromosomes. c.1477_1478delCA has been reported in the literature in multiple individuals affected with Cystic Fibrosis. These data indicate that the variant is very likely to be associated with disease. Five clinical diagnostic laboratories have submitted clinical-significance assessments for this variant to ClinVar after 2014 without evidence for independent evaluation. All laboratories classified the variant as pathogenic. Based on the evidence outlined above, the variant was classified as pathogenic.

Fulgent Genetics
Classification: Pathogenic for Hereditary pancreatitis; Bronchiectasis with or without elevated sweat chloride 1; Cystic fibrosis; Congenital bilateral aplasia of vas deferens from CFTR mutation. Last evaluated: 2021-10-08. Review status: criteria provided, single submitter. Criteria: ACMG Guidelines, 2015. Collection method: clinical testing. Allele origin: unknown. Not counted in ClinVar's aggregate classification.

CFTR-France
Classification: Pathogenic for cystic fibrosis. Last evaluated: 2018-01-29. Review status: criteria provided, single submitter. Criteria: Claustres M et al. (Hum Mutat 2017). Collection method: curation. Allele origin: germline. Affected: yes. Not counted in ClinVar's aggregate classification.

Counsyl
Classification: Pathogenic for Cystic fibrosis. Last evaluated: 2016-03-11. Review status: no assertion criteria provided. Collection method: clinical testing. Allele origin: unknown. Not counted in ClinVar's aggregate classification.

OMIM
Classification: Pathogenic for CYSTIC FIBROSIS. Last evaluated: 1992-08-01. Review status: no assertion criteria provided. Collection method: literature only. Allele origin: germline. Not counted in ClinVar's aggregate classification.

Literature cited by the submitters: PubMed 1695717 (cited by Labcorp Genetics (formerly Invitae), Labcorp); PubMed 7691345 (cited by Labcorp Genetics (formerly Invitae), Labcorp); PubMed 9725922 (cited by Labcorp Genetics (formerly Invitae), Labcorp); PubMed 1282016 (cited by Labcorp Genetics (formerly Invitae), Labcorp); PubMed 1284477 (cited by 3 submitters); PubMed 23974870 (cited by Labcorp Genetics (formerly Invitae), Labcorp); PubMed 15480987 (cited by Natera, Inc.); PubMed 17331079 (cited by Women's Health and Genetics/Laboratory Corporation of America, LabCorp); PubMed 15994263 (cited by Women's Health and Genetics/Laboratory Corporation of America, LabCorp); PubMed 1381442 (cited by OMIM).

NM_000492.4(CFTR):c.1477_1478del (p.Gln493fs)

Genes: CFTR (CF transmembrane conductance regulator; plus strand), CFTR-AS1 (CFTR antisense RNA 1; minus strand). Cytogenetic location: 7q31.2.
Variant type: Deletion.
Coding change: c.1477_1478del on transcript NM_000492.4 (MANE Select); coding-DNA positions 1477 to 1478, 2 bases deleted (CA; older notation c.1477_1478delCA).
Protein change: p.Gln493fs; shifts the reading frame from glutamine 493.
Molecular consequence: frameshift variant.
Genome position (GRCh38, 1-based): chr7:117,559,548-117,559,549, CA deleted. VCF-style (leftmost placement, unchanged base first): chr7-117559547-TCA-T. GRCh37 (hg19) VCF-style: chr7-117199601-TCA-T.
Other names: 1609delCA; c.1477_1478delCA (NM_000492.3); short protein forms Q493fs.
Identifiers: ClinVar variation 7219 (VCV000007219.17), dbSNP rs121908775, ClinGen allele CA325605.